The following is an entry in ClinVar:

ClinVar aggregate classification (germline): Uncertain significance (1 of 4 stars; one submission).

Conditions:
Chédiak-Higashi syndrome (CHS). Also called: Chediak-Higashi Syndrome. Identifiers: Orphanet 167, MedGen C0007965, MONDO:0008963, OMIM 214500.

Allele frequency attached by ClinVar (database versions not stated): gnomAD exomes 0.00001; ExAC 0.00003.
gnomAD v4.1: 13 of 1,613,826 alleles (0.00081%); highest among the groups gnomAD compares: South Asian, 0.013%; no homozygotes.

Submission:

Labcorp Genetics (formerly Invitae), Labcorp
Classification: Uncertain significance for Chédiak-Higashi syndrome. Last evaluated: 2023-08-17. Review status: criteria provided, single submitter. Criteria: Invitae Variant Classification Sherloc (09022015). Collection method: clinical testing. Allele origin: germline.
Comment: Advanced modeling of protein sequence and biophysical properties (such as structural, functional, and spatial information, amino acid conservation, physicochemical variation, residue mobility, and thermodynamic stability) performed at Invitae indicates that this missense variant is not expected to disrupt LYST protein function. In summary, the available evidence is currently insufficient to determine the role of this variant in disease. Therefore, it has been classified as a Variant of Uncertain Significance. ClinVar contains an entry for this variant (Variation ID: 2126941). This variant has not been reported in the literature in individuals affected with LYST-related conditions. This variant is present in population databases (rs750618554, gnomAD 0.01%). This sequence change replaces threonine, which is neutral and polar, with alanine, which is neutral and non-polar, at codon 1934 of the LYST protein (p.Thr1934Ala).

NM_000081.4(LYST):c.5800A>G (p.Thr1934Ala)

Gene: LYST (lysosomal trafficking regulator; minus strand). Cytogenetic location: 1q42.3.
Variant type: single nucleotide variant.
Coding change: c.5800A>G on transcript NM_000081.4 (MANE Select); coding-DNA position 5800, A replaced by G.
Protein change: p.Thr1934Ala; replaces threonine 1934 with alanine.
Molecular consequence: missense variant.
Genome position (GRCh38, 1-based): chr1:235,770,282, T>C on the plus strand (A>G on the coding strand, the complement: LYST is on the minus strand). VCF-style: chr1-235770282-T-C. GRCh37 (hg19) VCF-style: chr1-235933582-T-C.
Other names: c.5800A>G, p.Thr1934Ala (NM_001301365.1); short protein forms T1934A.
Identifiers: ClinVar variation 2126941 (VCV002126941.4), dbSNP rs750618554, ClinGen allele CA1466519.